The following is an entry in ClinVar:

ClinVar aggregate classification (germline): Uncertain significance (1 of 4 stars; one submission).

Submission:

CeGaT Center for Human Genetics Tuebingen
Classification: Uncertain significance. Last evaluated: 2022-07-01. Review status: criteria provided, single submitter. Criteria: CeGaT Center For Human Genetics Tuebingen Variant Classification Criteria Version 2. Collection method: clinical testing. Allele origin: germline. Affected: yes. Observed: 1 variant allele.
Comment: ATP1A3: PM2, PP2

NM_152296.5(ATP1A3):c.56G>C (p.Arg19Pro)

Gene: ATP1A3 (ATPase Na+/K+ transporting subunit alpha 3; minus strand). Cytogenetic location: 19q13.2.
Variant type: single nucleotide variant.
Coding change: c.56G>C on transcript NM_152296.5 (MANE Select); coding-DNA position 56, G replaced by C.
Protein change: p.Arg19Pro; replaces arginine 19 with proline.
Molecular consequence: missense variant.
Genome position (GRCh38, 1-based): chr19:41,988,513, C>G on the plus strand (G>C on the coding strand, the complement: ATP1A3 is on the minus strand). VCF-style: chr19-41988513-C-G. GRCh37 (hg19) VCF-style: chr19-42492665-C-G.
Other names: c.89G>C, p.Arg30Pro (NM_001256213.2); c.95G>C, p.Arg32Pro (NM_001256214.2); short protein forms R19P, R30P, R32P.
Identifiers: ClinVar variation 2649935 (VCV002649935.24), dbSNP rs782596240, ClinGen allele CA406057814.
Genomic context (GRCh38, chr19:41,988,513, plus strand): 5'-TGCGGGCAGAGGGCGAGGCTTACCATAGCCACCTCCTTCTTGAGGTCATCCAGGTCCCGG[C>G]GCTCCTTGCCCTTGTTCTTCTTGGGTGAGTCCTTGTCATCTTTCTTGTCCTGCGAGGTGG-3'
Protein context (NP_689509.1, residues 9-29): DSPKKNKGKE[Arg19Pro]RDLDDLKKEV